The following is an entry in ClinVar:

NM_000518.5(HBB):c.10C>A (p.Leu4Met)

Genes: HBB (hemoglobin subunit beta; minus strand), LOC106099062 (HBB recombination region; plus strand), LOC107133510 (origin of replication at HBB; plus strand). Cytogenetic location: 11p15.4.
Variant type: single nucleotide variant.
Coding change: c.10C>A on transcript NM_000518.5 (MANE Select); coding-DNA position 10, C replaced by A.
Protein change: p.Leu4Met; replaces leucine 4 with methionine.
Molecular consequence: missense variant.
Genome position (GRCh38, 1-based): chr11:5,227,012, G>T on the plus strand (C>A on the coding strand, the complement: HBB is on the minus strand). VCF-style: chr11-5227012-G-T. GRCh37 (hg19) VCF-style: chr11-5248242-G-T.
Other names: short protein forms L4M.
Identifiers: ClinVar variation 632844 (VCV000632844.2), dbSNP rs34126315, ClinGen allele CA217115588.
Genomic context (GRCh38, chr11:5,227,012, plus strand): 5'-CTTCATCCACGTTCACCTTGCCCCACAGGGCAGTAACGGCAGACTTCTCCTCAGGAGTCA[G>T]ATGCACCATGGTGTCTGTTTGAGGTTGCTAGTGAACACAGTTGTGTCAGAAGCAAATGTA-3'
Protein context (NP_000509.1, residues 1-14): MVH[Leu4Met]TPEEKSAVTA

ClinVar aggregate classification (germline): Uncertain significance. Review status: criteria provided, single submitter (1 of 4 stars). 2 submissions from 2 submitters: Uncertain significance (1). 1 of the submissions does not count toward it. Last evaluated 2017-09-06.

Conditions:
beta Thalassemia (BTHAL). Also called: Cooley's anemia; Erythroblastic anemia; Mediterranean anemia. Identifiers: Orphanet 848, MedGen C0005283, MONDO:0019402. Disease mechanism: loss of function.

Submissions (2):

Women's Health and Genetics/Laboratory Corporation of America, LabCorp
Classification: Uncertain significance. Last evaluated: 2017-09-06. Review status: criteria provided, single submitter. Criteria: LabCorp Variant Classification Summary - May 2015. Collection method: clinical testing. Allele origin: germline.
Comment: Variant summary: The HBB c.10C>A (p.Leu4Met) variant involves the alteration of a conserved nucleotide and 3/4 in silico tools predict a benign outcome for this variant (SNPsandGO not captured due to low reliability index). This variant is absent in 121336 control chromosomes from ExAC. This variant, also known as Hb Niguarda, has been reported in a case for whom clinical/hematological data is not provided and is regarded as abnormal hemoglobin (Giambona_2011). HbVar database reports a case with hematological profiles Hb A2: 4.7%, Hb F: 1.1%, HbX: 94.2%, Hb: 10.3 g/dL, MCV: 63.1 fL and tMCH: 20.6pg. The case also carried HBB p.Gln40X and HPFH -225_-222del in heterozygous state and HFE H63D in homozygous state. Thus, there is no clear-cut evidence as to whether this variant is causative or a modifier of hemoglobinopathy. Taken together, this variant is currently classified as "Variant of Unknown Significance (VUS)," until additional information becomes available (ie, clinical and/or functional studies).

Natera, Inc.
Classification: Uncertain significance for Beta thalassemia. Last evaluated: 2020-09-16. Review status: no assertion criteria provided. Collection method: clinical testing. Allele origin: germline. Not counted in ClinVar's aggregate classification.

Literature cited by the submitters: PubMed 21353607 (cited by Women's Health and Genetics/Laboratory Corporation of America, LabCorp).